The following is an entry in ClinVar:

ClinVar aggregate classification (germline): Uncertain significance (1 of 4 stars; one submission).

Conditions:
Glycogen storage disease IXd (GSD9D). Also called: Muscle Phosphorylase Kinase Deficiency; GSD IXd. Identifiers: Orphanet 715, MedGen C1845151, MONDO:0010362, OMIM 300559.

gnomAD v4.1: 2 of 1,171,260 alleles (0.00017%); highest among the groups gnomAD compares: Non-Finnish European, 0.00023%; no homozygotes.

Submission:

Labcorp Genetics (formerly Invitae), Labcorp
Classification: Uncertain significance for Glycogen storage disease IXd. Last evaluated: 2025-09-19. Review status: criteria provided, single submitter. Criteria: Invitae Variant Classification Sherloc (09022015). Collection method: clinical testing. Allele origin: germline.
Comment: This sequence change replaces glutamine, which is neutral and polar, with arginine, which is basic and polar, at codon 740 of the PHKA1 protein (p.Gln740Arg). This variant is not present in population databases (gnomAD no frequency). This variant has not been reported in the literature in individuals affected with PHKA1-related conditions. ClinVar contains an entry for this variant (Variation ID: 1346696). Invitae Evidence Modeling of protein sequence and biophysical properties (such as structural, functional, and spatial information, amino acid conservation, physicochemical variation, residue mobility, and thermodynamic stability) indicates that this missense variant is not expected to disrupt PHKA1 protein function with a negative predictive value of 80%. In summary, the available evidence is currently insufficient to determine the role of this variant in disease. Therefore, it has been classified as a Variant of Uncertain Significance.

NM_002637.4(PHKA1):c.2219A>G (p.Gln740Arg)

Gene: PHKA1 (phosphorylase kinase regulatory subunit alpha 1; minus strand). Cytogenetic location: Xq13.1.
Variant type: single nucleotide variant.
Coding change: c.2219A>G on transcript NM_002637.4 (MANE Select); coding-DNA position 2219, A replaced by G.
Protein change: p.Gln740Arg; replaces glutamine 740 with arginine.
Molecular consequence: missense variant.
Genome position (GRCh38, 1-based): chrX:72,619,224, T>C on the plus strand (A>G on the coding strand, the complement: PHKA1 is on the minus strand). VCF-style: chrX-72619224-T-C. GRCh37 (hg19) VCF-style: chrX-71839074-T-C.
Other names: c.2219A>G, p.Gln740Arg (NM_001122670.2); c.2042A>G, p.Gln681Arg (NM_001172436.2); short protein forms Q740R, Q681R.
Identifiers: ClinVar variation 1346696 (VCV001346696.6), dbSNP rs2147705472, ClinGen allele CA413590693.